The following is an entry in ClinVar:

NM_018669.6(WDR4):c.493C>T (p.Arg165Trp)

Gene: WDR4 (WDR4 tRNA N7-guanosine methyltransferase non-catalytic subunit; minus strand). Cytogenetic location: 21q22.3.
Variant type: single nucleotide variant.
Coding change: c.493C>T on transcript NM_018669.6 (MANE Select); coding-DNA position 493, C replaced by T.
Protein change: p.Arg165Trp; replaces arginine 165 with tryptophan.
Molecular consequence: missense variant. On other transcripts: non-coding transcript variant (1).
Genome position (GRCh38, 1-based): chr21:42,862,355, G>A on the plus strand (C>T on the coding strand, the complement: WDR4 is on the minus strand). VCF-style: chr21-42862355-G-A. GRCh37 (hg19) VCF-style: chr21-44282465-G-A.
Other names: c.493C>T, p.Arg165Trp (NM_001260474.2, NM_033661.5); c.55C>T, p.Arg19Trp (NM_001260475.2, NM_001260476.2, NM_001260477.2); short protein forms R165W, R19W.
Identifiers: ClinVar variation 5031760 (VCV005031760.1).

ClinVar aggregate classification (germline): Uncertain significance (1 of 4 stars; one submission).

Conditions:
Inborn genetic diseases. Identifiers: MedGen C0950123, MeSH D030342.

gnomAD v4.1: 37 of 1,611,284 alleles (0.0023%); highest among the groups gnomAD compares: South Asian, 0.0044%; no homozygotes.

Submission:

Ambry Genetics
Classification: Uncertain significance for Inborn genetic diseases. Last evaluated: 2026-07-02. Review status: criteria provided, single submitter. Criteria: Ambry Variant Classification Scheme 2023. Collection method: clinical testing. Allele origin: germline.
Comment: The c.493C>T (p.R165W) alteration is located in exon 5 (coding exon 5) of the WDR4 gene. This alteration results from a C to T substitution at nucleotide position 493, causing the arginine (R) at amino acid position 165 to be replaced by a tryptophan (W). Based on data from gnomAD, the T allele has an overall frequency of 0.001% (3/244584) total alleles studied. The highest observed frequency was 0.003% (1/29714) of South Asian alleles. Based on insufficient or conflicting evidence, the clinical significance of this alteration remains unclear.